The following is an entry in ClinVar:

ClinVar aggregate classification (germline): Uncertain significance. Review status: criteria provided, multiple submitters, no conflicts (2 of 4 stars). 2 submissions from 2 submitters: Uncertain significance (2). Last evaluated 2025-05-25.

Conditions:
Hereditary breast ovarian cancer syndrome. Also called: Hereditary breast and/or ovarian cancer syndrome; BRCA1- and BRCA2-Associated Hereditary Breast and Ovarian Cancer; Hereditary breast and ovarian cancer syndrome; Hereditary breast and ovarian cancer; Hereditary breast and ovarian cancer syndrome (HBOC); Breast and ovarian cancer. Identifiers: Orphanet 145, MedGen C0677776, MeSH D061325, MONDO:0003582. Disease mechanism: loss of function.

Submissions (3):

Labcorp Genetics (formerly Invitae), Labcorp
Classification: Uncertain significance for Hereditary breast ovarian cancer syndrome. Last evaluated: 2025-05-25. Review status: criteria provided, single submitter. Criteria: Invitae Variant Classification Sherloc (09022015). Collection method: clinical testing. Allele origin: germline.
Comment: This sequence change replaces methionine, which is neutral and non-polar, with threonine, which is neutral and polar, at codon 1827 of the BRCA1 protein (p.Met1827Thr). This variant is not present in population databases (gnomAD no frequency). This variant has not been reported in the literature in individuals affected with BRCA1-related conditions. ClinVar contains an entry for this variant (Variation ID: 864923). Invitae Evidence Modeling incorporating data from in vitro experimental studies (PMID: 30209399) indicates that this missense variant is not expected to disrupt BRCA1 function with a negative predictive value of 95%. In summary, the available evidence is currently insufficient to determine the role of this variant in disease. Therefore, it has been classified as a Variant of Uncertain Significance.

Blueprint Genetics
Classification: Uncertain significance. Last evaluated: 2022-12-19. Review status: criteria provided, single submitter. Criteria: ACMG Guidelines, 2015. Collection method: clinical testing. Allele origin: germline.

Brotman Baty Institute, University of Washington
No classification provided (evidence only). Condition: Breast-ovarian cancer, familial 1. Review status: no classification provided. Collection method: in vitro. Allele origin: not applicable. Functional consequence: functionally_normal. Not counted in ClinVar's aggregate classification.
ClinVar note: "not provided" was previously submitted as the classification for the variant. However, the classification appeared to be based only on an observation of functional data so it was converted to no classification on 2025-07-30.

Literature cited by the submitters: PubMed 30209399 (cited by Labcorp Genetics (formerly Invitae), Labcorp).

NM_007294.4(BRCA1):c.5480T>C (p.Met1827Thr)

Gene: BRCA1 (BRCA1 DNA repair associated; minus strand). Cytogenetic location: 17q21.31.
Variant type: single nucleotide variant.
Coding change: c.5480T>C on transcript NM_007294.4 (MANE Select); coding-DNA position 5480, T replaced by C.
Protein change: p.Met1827Thr; replaces methionine 1827 with threonine.
Molecular consequence: missense variant. On other transcripts: synonymous variant (17).
Genome position (GRCh38, 1-based): chr17:43,045,790, A>G on the plus strand (T>C on the coding strand, the complement: BRCA1 is on the minus strand). VCF-style: chr17-43045790-A-G. GRCh37 (hg19) VCF-style: chr17-41197807-A-G.
Other names: c.5399T>C, p.Met1800Thr (NM_001407656.1, NM_001407657.1, NM_001407658.1); c.5396T>C, p.Met1799Thr (NM_001407659.1, NM_001407660.1, NM_001407661.1 and 2 more transcripts); c.5357T>C, p.Met1786Thr (NM_001407664.1, NM_001407665.1, NM_001407666.1 and 3 more transcripts); c.5354T>C, p.Met1785Thr (NM_001407670.1, NM_001407671.1, NM_001407672.1 and 8 more transcripts); c.5351T>C, p.Met1784Thr (NM_001407681.1, NM_001407682.1, NM_001407683.1 and 6 more transcripts); c.5348T>C, p.Met1783Thr (NM_001407690.1, NM_001407691.1); c.5339T>C, p.Met1780Thr (NM_001407692.1, NM_001407694.1, NM_001407695.1 and 12 more transcripts); c.5336T>C, p.Met1779Thr (NM_001407732.1, NM_001407733.1, NM_001407734.1 and 18 more transcripts); and 83 more; short protein forms M1827T, M1848T, M1780T, M723T, M1739T, M1755T, M1779T, M1783T.
Identifiers: ClinVar variation 864923 (VCV000864923.10), dbSNP rs2050886535, ClinGen allele CA10590361.
Genomic context (GRCh38, chr17:43,045,790, plus strand): 5'-CACTGGTAGAGTGCTACACTGTCCAACACCCACTCTCGGGTCACCACAGGTGCCTCACAC[A>G]TCTGCCCAATTGCTGGAGACAGAGAACACAAGCAGAGATTAGTGTCAATTCATTCTCCTG-3'
Protein context (NP_009225.1, residues 1817-1837): EDNGFHAIGQ[Met1827Thr]CEAPVVTREW